The following is an entry in ClinVar:

NM_001943.5(DSG2):c.1423G>T (p.Asp475Tyr)

Gene: DSG2 (desmoglein 2; plus strand). Cytogenetic location: 18q12.1.
Variant type: single nucleotide variant.
Coding change: c.1423G>T on transcript NM_001943.5 (MANE Select); coding-DNA position 1423, G replaced by T.
Protein change: p.Asp475Tyr; replaces aspartic acid 475 with tyrosine.
Molecular consequence: missense variant.
Genome position (GRCh38, 1-based): chr18:31,535,412, G>T. VCF-style: chr18-31535412-G-T. GRCh37 (hg19) VCF-style: chr18-29115375-G-T.
Other names: short protein forms D475Y.
Identifiers: ClinVar variation 2879538 (VCV002879538.3), dbSNP rs187091767, ClinGen allele CA402140608.

ClinVar aggregate classification (germline): Uncertain significance (1 of 4 stars; one submission).

Conditions:
Arrhythmogenic right ventricular dysplasia 10. Also called: Arrhythmogenic Right Ventricular Dysplasia/Cardiomyopathy10; ARRHYTHMOGENIC RIGHT VENTRICULAR DYSPLASIA, FAMILIAL, 10; Arrhythmogenic right ventricular dysplasia/cardiomyopathy, type 10. Identifiers: MedGen C1857777, MONDO:0012434, OMIM 610193.

Submission:

Labcorp Genetics (formerly Invitae), Labcorp
Classification: Uncertain significance for Arrhythmogenic right ventricular dysplasia 10. Last evaluated: 2023-11-24. Review status: criteria provided, single submitter. Criteria: Invitae Variant Classification Sherloc (09022015). Collection method: clinical testing. Allele origin: germline.
Comment: This sequence change replaces aspartic acid, which is acidic and polar, with tyrosine, which is neutral and polar, at codon 475 of the DSG2 protein (p.Asp475Tyr). This variant also falls at the last nucleotide of exon 10, which is part of the consensus splice site for this exon. This variant is not present in population databases (gnomAD no frequency). This variant has not been reported in the literature in individuals affected with DSG2-related conditions. An algorithm developed to predict the effect of missense changes on protein structure and function (PolyPhen-2) suggests that this variant is likely to be disruptive. Variants that disrupt the consensus splice site are a relatively common cause of aberrant splicing (PMID: 17576681, 9536098). In summary, the available evidence is currently insufficient to determine the role of this variant in disease. Therefore, it has been classified as a Variant of Uncertain Significance.

Literature cited by the submitters: PubMed 17576681; PubMed 9536098.